The following is an entry in ClinVar:

ClinVar aggregate classification (germline): Likely pathogenic (1 of 4 stars; one submission).

Conditions:
Hypertrophic cardiomyopathy. Also called: HYPERTROPHIC MYOCARDIOPATHY. Identifiers: Orphanet 217569, MedGen C0007194, MeSH D002312, MONDO:0005045, HP:0001639.

Submission:

Labcorp Genetics (formerly Invitae), Labcorp
Classification: Likely pathogenic for Hypertrophic cardiomyopathy. Last evaluated: 2025-02-26. Review status: criteria provided, single submitter. Criteria: Invitae Variant Classification Sherloc (09022015). Collection method: clinical testing. Allele origin: germline.
Comment: This sequence change replaces glutamic acid, which is acidic and polar, with glycine, which is neutral and non-polar, at codon 317 of the MYH7 protein (p.Glu317Gly). This variant is not present in population databases (gnomAD no frequency). This missense change has been observed in individuals with hypertrophic cardiomyopathy (PMID: 25524337, 27247418, 35626289; internal data). ClinVar contains an entry for this variant (Variation ID: 2736091). Invitae Evidence Modeling of protein sequence and biophysical properties (such as structural, functional, and spatial information, amino acid conservation, physicochemical variation, residue mobility, and thermodynamic stability) indicates that this missense variant is expected to disrupt MYH7 protein function with a positive predictive value of 95%. In summary, the currently available evidence indicates that the variant is pathogenic, but additional data are needed to prove that conclusively. Therefore, this variant has been classified as Likely Pathogenic.

Literature cited by the submitters: PubMed 25524337; PubMed 27247418; PubMed 35626289.

NM_000257.4(MYH7):c.950A>G (p.Glu317Gly)

Gene: MYH7 (myosin heavy chain 7; minus strand). Cytogenetic location: 14q11.2.
Variant type: single nucleotide variant.
Coding change: c.950A>G on transcript NM_000257.4 (MANE Select); coding-DNA position 950, A replaced by G.
Protein change: p.Glu317Gly; replaces glutamic acid 317 with glycine.
Molecular consequence: missense variant.
Genome position (GRCh38, 1-based): chr14:23,430,609, T>C on the plus strand (A>G on the coding strand, the complement: MYH7 is on the minus strand). VCF-style: chr14-23430609-T-C. GRCh37 (hg19) VCF-style: chr14-23899818-T-C.
Other names: c.950A>G, p.Glu317Gly (NM_001407004.1); short protein forms E317G.
Identifiers: ClinVar variation 2736091 (VCV002736091.3), dbSNP rs2502308702, ClinGen allele CA389051686.